The following is an entry in ClinVar:

NC_000023.10:g.(?_153760215)_(153775961_?)dup

Genes: G6PD (glucose-6-phosphate dehydrogenase; minus strand), IKBKG (inhibitor of nuclear factor kappa B kinase regulatory subunit gamma; plus strand). Cytogenetic location: Xq28.
Variant type: Duplication.
Identifiers: ClinVar variation 1046525 (VCV001046525.1).

ClinVar aggregate classification (germline): Uncertain significance (1 of 4 stars; one submission).

Conditions:
Anemia, nonspherocytic hemolytic, due to G6PD deficiency (CNSHA1). Also called: ANEMIA, CONGENITAL, NONSPHEROCYTIC HEMOLYTIC, 1; Hemolytic anemia due to G6PD deficiency; Class I glucose-6-phosphate dehydrogenase deficiency; Favism, susceptibility to. Identifiers: Orphanet 466026, MedGen C2720289, MONDO:0010480, OMIM 300908.

Submission:

Labcorp Genetics (formerly Invitae), Labcorp
Classification: Uncertain significance for Anemia, nonspherocytic hemolytic, due to G6PD deficiency. Last evaluated: 2020-10-26. Review status: criteria provided, single submitter. Criteria: Invitae Variant Classification Sherloc (09022015). Collection method: clinical testing. Allele origin: germline.
Comment: A copy number gain of the genomic region encompassing the full coding sequence of the G6PD gene has been identified. The boundaries of this event are unknown as they extend beyond the assayed region for this gene and therefore may encompass additional genes. As the precise location of this event is unknown, it may be in tandem or it may be located elsewhere in the genome. This variant has not been reported in the literature in individuals with G6PD-related conditions. Experimental studies and prediction algorithms are not available or were not evaluated, and the functional significance of this variant is currently unknown. In summary, the available evidence is currently insufficient to determine the role of this variant in disease. Therefore, it has been classified as a Variant of Uncertain Significance.